The following is an entry in ClinVar:

ClinVar aggregate classification (germline): Likely benign (1 of 4 stars; one submission).

Conditions:
PLEC-related disorder. Also called: PLEC-related condition; PLEC-related disorders.

gnomAD v4.1: 24 of 1,610,214 alleles (0.0015%); highest among the groups gnomAD compares: East Asian, 0.0022%; no homozygotes.

Submission:

PreventionGenetics, part of Exact Sciences
Classification: Likely benign for PLEC-related condition. Last evaluated: 2025-12-28. Review status: criteria provided, single submitter. Criteria: ACMG Guidelines, 2015. Collection method: clinical testing. Allele origin: germline.
Comment: This variant is classified as likely benign based on ACMG/AMP sequence variant interpretation guidelines (Richards et al. 2015 PMID: 25741868, with internal and published modifications).

NM_201378.4(PLEC):c.71-5078C>T

Gene: PLEC (plectin; minus strand). Cytogenetic location: 8q24.3.
Variant type: single nucleotide variant.
Coding change: c.71-5078C>T on transcript NM_201378.4 (MANE Plus Clinical); 5078 bases into the intron before coding-DNA position 71, C replaced by T.
Molecular consequence: intron variant.
Genome position (GRCh38, 1-based): chr8:143,943,770, G>A on the plus strand (C>T on the coding strand, the complement: PLEC is on the minus strand). VCF-style: chr8-143943770-G-A. GRCh37 (hg19) VCF-style: chr8-145017938-G-A.
Other names: c.194-5078C>T (NM_001410941.1, NM_000445.5); c.47-5078C>T (NM_201379.3); c.524-5078C>T (NM_201380.4); c.16+878C>T (NM_201381.3); c.112+9C>T (NM_201382.4).
Identifiers: ClinVar variation 4999318 (VCV004999318.1).